The following is an entry in ClinVar:

ClinVar aggregate classification (germline): Uncertain significance (1 of 4 stars; one submission).

Allele frequency attached by ClinVar (database versions not stated): gnomAD exomes below 0.00001; TOPMed below 0.00001.

Submission:

Labcorp Genetics (formerly Invitae), Labcorp
Classification: Uncertain significance. Last evaluated: 2023-11-21. Review status: criteria provided, single submitter. Criteria: Invitae Variant Classification Sherloc (09022015). Collection method: clinical testing. Allele origin: germline.
Comment: This sequence change replaces isoleucine, which is neutral and non-polar, with methionine, which is neutral and non-polar, at codon 110 of the KLHL9 protein (p.Ile110Met). This variant is present in population databases (no rsID available, gnomAD 0.007%). This variant has not been reported in the literature in individuals affected with KLHL9-related conditions. Advanced modeling of protein sequence and biophysical properties (such as structural, functional, and spatial information, amino acid conservation, physicochemical variation, residue mobility, and thermodynamic stability) performed at Invitae indicates that this missense variant is not expected to disrupt KLHL9 protein function with a negative predictive value of 80%. In summary, the available evidence is currently insufficient to determine the role of this variant in disease. Therefore, it has been classified as a Variant of Uncertain Significance.

NM_018847.4(KLHL9):c.330T>G (p.Ile110Met)

Gene: KLHL9 (kelch like family member 9; minus strand). Cytogenetic location: 9p21.3.
Variant type: single nucleotide variant.
Coding change: c.330T>G on transcript NM_018847.4 (MANE Select); coding-DNA position 330, T replaced by G.
Protein change: p.Ile110Met; replaces isoleucine 110 with methionine.
Molecular consequence: missense variant.
Genome position (GRCh38, 1-based): chr9:21,334,530, A>C on the plus strand (T>G on the coding strand, the complement: KLHL9 is on the minus strand). VCF-style: chr9-21334530-A-C. GRCh37 (hg19) VCF-style: chr9-21334529-A-C.
Other names: short protein forms I110M.
Identifiers: ClinVar variation 2779121 (VCV002779121.3), dbSNP rs1222349828, ClinGen allele CA373074740.